The following is an entry in ClinVar:

NM_001048174.2(MUTYH):c.782T>C (p.Val261Ala)

Gene: MUTYH (mutY DNA glycosylase; minus strand). Cytogenetic location: 1p34.1.
Variant type: single nucleotide variant.
Coding change: c.782T>C on transcript NM_001048174.2 (MANE Select); coding-DNA position 782, T replaced by C.
Protein change: p.Val261Ala; replaces valine 261 with alanine.
Molecular consequence: missense variant. On other transcripts: non-coding transcript variant (7).
Genome position (GRCh38, 1-based): chr1:45,332,233, A>G on the plus strand (T>C on the coding strand, the complement: MUTYH is on the minus strand). VCF-style: chr1-45332233-A-G. GRCh37 (hg19) VCF-style: chr1-45797905-A-G.
Other names: c.782T>C, p.Val261Ala (NM_001048171.2, NM_001048173.2, NM_001293195.2 and 6 more transcripts); c.785T>C, p.Val262Ala (NM_001048172.2, NM_001407071.1, NM_001407086.1 and 1 more transcripts); c.866T>C, p.Val289Ala (NM_001128425.2); c.827T>C, p.Val276Ala (NM_001293190.2); c.815T>C, p.Val272Ala (NM_001293191.2, NM_001407069.1, NM_001407077.1); c.506T>C, p.Val169Ala (NM_001293192.2, NM_001293196.2, NM_001407091.1); c.437T>C, p.Val146Ala (NM_001350650.2, NM_001350651.2, NM_001407082.1); c.824T>C, p.Val275Ala (NM_001407085.1, NM_001407083.1); and 5 more; short protein forms V169A, V289A, V261A, V262A, V268A, V272A, V275A, V276A.
Identifiers: ClinVar variation 3663996 (VCV003663996.2).

ClinVar aggregate classification (germline): Uncertain significance (1 of 4 stars; one submission).

Conditions:
Familial adenomatous polyposis 2. Also called: FAP type 2; COLORECTAL ADENOMATOUS POLYPOSIS, AUTOSOMAL RECESSIVE; ADENOMAS, MULTIPLE COLORECTAL, AUTOSOMAL RECESSIVE; MYH-associated polyposis; Adenomas, multiple colorectal; MUTYH-associated polyposis. Identifiers: Orphanet 220460, Orphanet 247798, MedGen C3272841, MONDO:0012041, OMIM 608456.

Submission:

Labcorp Genetics (formerly Invitae), Labcorp
Classification: Uncertain significance for Familial adenomatous polyposis 2. Last evaluated: 2024-08-29. Review status: criteria provided, single submitter. Criteria: Invitae Variant Classification Sherloc (09022015). Collection method: clinical testing. Allele origin: germline.
Comment: This sequence change replaces valine, which is neutral and non-polar, with alanine, which is neutral and non-polar, at codon 289 of the MUTYH protein (p.Val289Ala). This variant is not present in population databases (gnomAD no frequency). This variant has not been reported in the literature in individuals affected with MUTYH-related conditions. An algorithm developed to predict the effect of missense changes on protein structure and function (PolyPhen-2) suggests that this variant is likely to be disruptive. In summary, the available evidence is currently insufficient to determine the role of this variant in disease. Therefore, it has been classified as a Variant of Uncertain Significance.